The following is an entry in ClinVar:

ClinVar aggregate classification (germline): Likely pathogenic (1 of 4 stars; one submission).

Conditions:
Hereditary cancer-predisposing syndrome. Also called: Hereditary Cancer Syndrome; Tumor predisposition; Hereditary neoplastic syndrome; Neoplastic Syndromes, Hereditary. Identifiers: Orphanet 140162, MedGen C0027672, MeSH D009386, MONDO:0015356.

Submission:

Ambry Genetics
Classification: Likely pathogenic for Hereditary cancer-predisposing syndrome. Last evaluated: 2024-10-10. Review status: criteria provided, single submitter. Criteria: Ambry Variant Classification Scheme 2023. Collection method: clinical testing. Allele origin: germline.
Comment: The c.3122_3123insAlu likely pathogenic variant results from the insertion of an Alu element between nucleotides 3122 and 3123 in coding exon 9 of the BRCA1 gene. Mobile element insertions contribute to pathogenicity by either disrupting the coding sequence or inducing aberrant splicing (Belancio VP et al. Semin. Cancer Biol. 2010 Aug;20:200-10; Deininger P et al. Genome Biol. 2011 Dec;12:236; van der Klift HM. Hum Mutat. 2012 Jul;33(7):1051-5). Based on the majority of available evidence to date, this variant is likely to be pathogenic.

NM_007294.3:c.3122_3123insALU

Gene: BRCA1 (BRCA1 DNA repair associated; minus strand).
Variant type: Insertion.
Identifiers: ClinVar variation 3261450 (VCV003261450.2).